The following is an entry in ClinVar:

NM_198576.4(AGRN):c.1282G>A (p.Val428Met)

Gene: AGRN (agrin; plus strand). Cytogenetic location: 1p36.33.
Variant type: single nucleotide variant.
Coding change: c.1282G>A on transcript NM_198576.4 (MANE Select); coding-DNA position 1282, G replaced by A.
Protein change: p.Val428Met; replaces valine 428 with methionine.
Molecular consequence: missense variant.
Genome position (GRCh38, 1-based): chr1:1,042,060, G>A. VCF-style: chr1-1042060-G-A. GRCh37 (hg19) VCF-style: chr1-977440-G-A.
Other names: c.1282G>A, p.Val428Met (NM_001305275.2); c.967G>A, p.Val323Met (NM_001364727.2); short protein forms V323M, V428M.
Identifiers: ClinVar variation 949762 (VCV000949762.11), dbSNP rs566439735, ClinGen allele CA508101.

ClinVar aggregate classification (germline): Uncertain significance. Review status: criteria provided, multiple submitters, no conflicts (2 of 4 stars). 2 submissions from 2 submitters: Uncertain significance (2). Last evaluated 2024-07-06.

Conditions:
Congenital myasthenic syndrome 8. Also called: Myasthenic syndrome, congenital, 8, with pre- and postsynaptic defects; MYASTHENIC SYNDROME, CONGENITAL, DUE TO AGRIN DEFICIENCY. Identifiers: Orphanet 590, MedGen C3808739, MONDO:0014052, OMIM 615120.

Allele frequency attached by ClinVar (database versions not stated): gnomAD 0.00002 and 0.00009; TOPMed 0.00002; 1000 Genomes Project 30x 0.00078; 1000 Genomes Project 0.00080.
gnomAD v4.1: 168 of 1,607,840 alleles (0.01%); highest among the groups gnomAD compares: South Asian, 0.16%; 1 homozygote.

Submissions (2):

Labcorp Genetics (formerly Invitae), Labcorp
Classification: Uncertain significance for Congenital myasthenic syndrome 8. Last evaluated: 2024-07-06. Review status: criteria provided, single submitter. Criteria: Invitae Variant Classification Sherloc (09022015). Collection method: clinical testing. Allele origin: germline.
Comment: This sequence change replaces valine, which is neutral and non-polar, with methionine, which is neutral and non-polar, at codon 428 of the AGRN protein (p.Val428Met). This variant is present in population databases (rs566439735, gnomAD 0.2%). This variant has not been reported in the literature in individuals affected with AGRN-related conditions. ClinVar contains an entry for this variant (Variation ID: 949762). An algorithm developed to predict the effect of missense changes on protein structure and function (PolyPhen-2) suggests that this variant is likely to be disruptive. In summary, the available evidence is currently insufficient to determine the role of this variant in disease. Therefore, it has been classified as a Variant of Uncertain Significance.

Blueprint Genetics
Classification: Uncertain significance. Last evaluated: 2024-04-09. Review status: criteria provided, single submitter. Criteria: ACMG Guidelines, 2015. Collection method: clinical testing. Allele origin: germline.